The following is an entry in ClinVar:

NM_032119.4(ADGRV1):c.16040del (p.Asp5347fs)

Gene: ADGRV1 (adhesion G protein-coupled receptor V1; plus strand). Cytogenetic location: 5q14.3.
Variant type: Deletion.
Coding change: c.16040del on transcript NM_032119.4 (MANE Select); coding-DNA position 16040, one base deleted (A; older notation c.16040delA).
Protein change: p.Asp5347fs; shifts the reading frame from aspartic acid 5347.
Molecular consequence: frameshift variant. On other transcripts: non-coding transcript variant (1).
Genome position (GRCh38, 1-based): chr5:90,811,300, A deleted. VCF-style (leftmost placement, unchanged base first): chr5-90811299-GA-G. GRCh37 (hg19) VCF-style: chr5-90107116-GA-G.
Other names: c.16040delA (NM_032119.3); short protein forms D5347fs.
Identifiers: ClinVar variation 2203662 (VCV002203662.5), dbSNP rs1561783623, ClinGen allele CA917526628.

ClinVar aggregate classification (germline): Pathogenic/Likely pathogenic. Review status: criteria provided, multiple submitters, no conflicts (2 of 4 stars). 2 submissions from 2 submitters: Pathogenic (1); Likely pathogenic (1). Last evaluated 2025-06-06.

Conditions:
ADGRV1-related disorder. Also called: ADGRV1-related disorders; ADGRV1-related condition.

Allele frequency attached by ClinVar (database versions not stated): gnomAD exomes below 0.00001.

Submissions (2):

PreventionGenetics, part of Exact Sciences
Classification: Likely pathogenic for ADGRV1-related condition. Last evaluated: 2025-06-06. Review status: criteria provided, single submitter. Criteria: ACMG Guidelines, 2015. Collection method: clinical testing. Allele origin: germline.
Comment: The ADGRV1 c.16040delA variant is predicted to result in a frameshift and premature protein termination (p.Asp5347Valfs*22). This variant has been reported in the homozygous state in an individual with Usher syndrome (Reddy et al. 2014. PubMed ID: 25211151). This variant is reported in 0.00091% of alleles in individuals of European (Non-Finnish) descent in gnomAD. Frameshift variants in ADGRV1 are expected to be pathogenic. This variant is interpreted as likely pathogenic.

Labcorp Genetics (formerly Invitae), Labcorp
Classification: Pathogenic. Last evaluated: 2024-02-16. Review status: criteria provided, single submitter. Criteria: Invitae Variant Classification Sherloc (09022015). Collection method: clinical testing. Allele origin: germline.
Comment: This sequence change creates a premature translational stop signal (p.Asp5347Valfs*22) in the ADGRV1 gene. It is expected to result in an absent or disrupted protein product. Loss-of-function variants in ADGRV1 are known to be pathogenic (PMID: 19357117, 22135276, 22147658, 26226137, 30718709, 31047384, 32467589). This variant is not present in population databases (gnomAD no frequency). This premature translational stop signal has been observed in individual(s) with clinical features of with Usher syndrome (PMID: 25211151). It has also been observed to segregate with disease in related individuals. ClinVar contains an entry for this variant (Variation ID: 2203662). For these reasons, this variant has been classified as Pathogenic.

Literature cited by the submitters: PubMed 19357117 (cited by Labcorp Genetics (formerly Invitae), Labcorp); PubMed 22135276 (cited by Labcorp Genetics (formerly Invitae), Labcorp); PubMed 22147658 (cited by Labcorp Genetics (formerly Invitae), Labcorp); PubMed 26226137 (cited by Labcorp Genetics (formerly Invitae), Labcorp); PubMed 30718709 (cited by Labcorp Genetics (formerly Invitae), Labcorp); PubMed 31047384 (cited by Labcorp Genetics (formerly Invitae), Labcorp); PubMed 32467589 (cited by Labcorp Genetics (formerly Invitae), Labcorp); PubMed 25211151 (cited by Labcorp Genetics (formerly Invitae), Labcorp).